The following is an entry in ClinVar:

ClinVar aggregate classification (germline): Pathogenic (1 of 4 stars; one submission).

Conditions:
Congenital adrenal hyperplasia due to cytochrome P450 oxidoreductase deficiency. Also called: DISORDERED STEROIDOGENESIS DUE TO POR DEFICIENCY. Identifiers: Orphanet 95699, MedGen C1860042, MONDO:0013310, OMIM 613571.

Submission:

Labcorp Genetics (formerly Invitae), Labcorp
Classification: Pathogenic for Congenital adrenal hyperplasia due to cytochrome P450 oxidoreductase deficiency. Last evaluated: 2026-01-24. Review status: criteria provided, single submitter. Criteria: Invitae Variant Classification Sherloc (09022015). Collection method: clinical testing. Allele origin: germline.
Comment: This sequence change creates a premature translational stop signal (p.Tyr390Thrfs*31) in the POR gene. It is expected to result in an absent or disrupted protein product. Loss-of-function variants in POR are known to be pathogenic (PMID: 14758361, 20732302, 21741353). This variant is not present in population databases (gnomAD no frequency). This variant has not been reported in the literature in individuals affected with POR-related conditions. For these reasons, this variant has been classified as Pathogenic.

Literature cited by the submitters: PubMed 14758361; PubMed 20732302; PubMed 21741353.

NM_001395413.1(POR):c.1158del (p.Tyr387fs)

Gene: POR (cytochrome p450 oxidoreductase; plus strand). Cytogenetic location: 7q11.23.
Variant type: Deletion.
Coding change: c.1158del on transcript NM_001395413.1 (MANE Select); coding-DNA position 1158, one base deleted (G; older notation c.1158delG).
Protein change: p.Tyr387fs; shifts the reading frame from tyrosine 387.
Molecular consequence: frameshift variant.
Genome position (GRCh38, 1-based): chr7:75,984,877, G deleted. VCF-style (leftmost placement, unchanged base first): chr7-75984876-TG-T. GRCh37 (hg19) VCF-style: chr7-75614194-TG-T.
Other names: c.1158del, p.Tyr387fs (NM_001367562.3, NM_001382657.2, NM_001382658.3 and 2 more transcripts); c.1212del, p.Tyr405fs (NM_001382655.3); short protein forms Y387fs, Y405fs.
Identifiers: ClinVar variation 4736041 (VCV004736041.1).